The following is an entry in ClinVar:

ClinVar aggregate classification (germline): Likely pathogenic (1 of 4 stars; one submission).

Submission:

Mayo Clinic Laboratories, Mayo Clinic
Classification: Likely pathogenic. Last evaluated: 2024-08-09. Review status: criteria provided, single submitter. Criteria: ACMG Guidelines, 2015. Collection method: clinical testing. Allele origin: germline. Observed: 1 variant allele.
Comment: PM2_moderate, PVS1

NM_004100.5(EYA4):c.502C>T (p.Gln168Ter)

Gene: EYA4 (EYA transcriptional coactivator and phosphatase 4; plus strand). Cytogenetic location: 6q23.2.
Variant type: single nucleotide variant.
Coding change: c.502C>T on transcript NM_004100.5 (MANE Select); coding-DNA position 502, C replaced by T.
Protein change: p.Gln168Ter; replaces glutamine 168 with a stop codon.
Molecular consequence: nonsense.
Genome position (GRCh38, 1-based): chr6:133,462,399, C>T. VCF-style: chr6-133462399-C-T. GRCh37 (hg19) VCF-style: chr6-133783537-C-T.
Other names: p.Gln168*; c.340C>T, p.Gln114Ter (NM_001301012.2, NM_001370459.1); c.502C>T, p.Gln168Ter (NM_001301013.2, NM_172105.4); c.433C>T, p.Gln145Ter (NM_001370458.1, NM_172103.4); short protein forms Q114*, Q145*, Q168*.
Identifiers: ClinVar variation 3381015 (VCV003381015.1).
Genomic context (GRCh38, chr6:133,462,399, plus strand): 5'-TATCCACACATTCTTTCTACACCAGCAGCTCAAACAATGTCTGCCTATGCAGGCCAGACT[C>T]AGTATTCGGGGATGCAGCAGCCAGCCGTCTACACAGCCTACTCACAGACAGGACAGCCCT-3'